The following is an entry in ClinVar:

ClinVar aggregate classification (germline): Uncertain significance (1 of 4 stars; one submission).

Submission:

GeneDx
Classification: Uncertain significance. Last evaluated: 2019-08-09. Review status: criteria provided, single submitter. Criteria: GeneDx Variant Classification Process June 2021. Collection method: clinical testing. Allele origin: germline. Affected: yes.
Comment: Not observed in large population cohorts (Lek et al., 2016); In silico analysis, which includes protein predictors and evolutionary conservation, supports a deleterious effect; Has not been previously published as pathogenic or benign to our knowledge

NM_001845.6(COL4A1):c.1085G>A (p.Gly362Asp)

Gene: COL4A1 (collagen type IV alpha 1 chain; minus strand). Cytogenetic location: 13q34.
Variant type: single nucleotide variant.
Coding change: c.1085G>A on transcript NM_001845.6 (MANE Select); coding-DNA position 1085, G replaced by A.
Protein change: p.Gly362Asp; replaces glycine 362 with aspartic acid.
Molecular consequence: missense variant.
Genome position (GRCh38, 1-based): chr13:110,200,889, C>T on the plus strand (G>A on the coding strand, the complement: COL4A1 is on the minus strand). VCF-style: chr13-110200889-C-T. GRCh37 (hg19) VCF-style: chr13-110853236-C-T.
Other names: c.1085G>A, p.Gly362Asp (NM_001303110.2); short protein forms G362D.
Identifiers: ClinVar variation 1316176 (VCV001316176.2), dbSNP rs2139190267, ClinGen allele CA388724299.